The following is an entry in ClinVar:

ClinVar aggregate classification (germline): Likely benign (1 of 4 stars; one submission).

gnomAD v4.1: 37 of 1,613,878 alleles (0.0023%); highest among the groups gnomAD compares: African/African-American, 0.039%; no homozygotes.

Submission:

CeGaT Center for Human Genetics Tuebingen
Classification: Likely benign. Last evaluated: 2026-08-01. Review status: criteria provided, single submitter. Criteria: CeGaT Center For Human Genetics Tuebingen Variant Classification Criteria Version 2. Collection method: clinical testing. Allele origin: germline. Affected: yes. Observed: 1 variant allele.
Comment: SCAF4: BP4, BP7

NM_020706.2(SCAF4):c.1803T>C (p.Tyr601=)

Gene: SCAF4 (SR-related CTD associated factor 4; minus strand). Cytogenetic location: 21q22.11.
Variant type: single nucleotide variant.
Coding change: c.1803T>C on transcript NM_020706.2 (MANE Select); coding-DNA position 1803, T replaced by C.
Protein change: p.Tyr601=; no amino-acid change (tyrosine 601 retained).
Molecular consequence: synonymous variant.
Genome position (GRCh38, 1-based): chr21:31,690,879, A>G on the plus strand (T>C on the coding strand, the complement: SCAF4 is on the minus strand). VCF-style: chr21-31690879-A-G. GRCh37 (hg19) VCF-style: chr21-33063192-A-G.
Other names: c.1758T>C, p.Tyr586= (NM_001145444.1); c.1803T>C, p.Tyr601= (NM_001145445.1).
Identifiers: ClinVar variation 5039505 (VCV005039505.1).
Genomic context (GRCh38, chr21:31,690,879, plus strand): 5'-CAACATTCCTCCTTCACAAAAACTCTCCAGTTCCTCAGGCTTGACTTTGTCCCATGGAAT[A>G]TAAGTAACACCAAGTTCTACATCCCAATACTGCTTATAATCTGCCTTTATTCCTTTGTTT-3'
Protein context (NP_065757.1, residues 591-611): QYWDVELGVT[Tyr601=]IPWDKVKPEE